The following is an entry in ClinVar:

NM_001005273.3(CHD3):c.3988C>G (p.Gln1330Glu)

Gene: CHD3 (chromodomain helicase DNA binding protein 3; plus strand). Cytogenetic location: 17p13.1.
Variant type: single nucleotide variant.
Coding change: c.3988C>G on transcript NM_001005273.3 (MANE Select); coding-DNA position 3988, C replaced by G.
Protein change: p.Gln1330Glu; replaces glutamine 1330 with glutamic acid.
Molecular consequence: missense variant.
Genome position (GRCh38, 1-based): chr17:7,904,535, C>G. VCF-style: chr17-7904535-C-G. GRCh37 (hg19) VCF-style: chr17-7807853-C-G.
Other names: c.4165C>G, p.Gln1389Glu (NM_001005271.3); c.3988C>G, p.Gln1330Glu (NM_005852.4); short protein forms Q1330E, Q1389E.
Identifiers: ClinVar variation 3902895 (VCV003902895.1).

ClinVar aggregate classification (germline): Uncertain significance (1 of 4 stars; one submission).

Submission:

GeneDx
Classification: Uncertain significance. Last evaluated: 2024-12-12. Review status: criteria provided, single submitter. Criteria: GeneDx Variant Classification Process June 2021. Collection method: clinical testing. Allele origin: germline. Affected: yes.
Comment: Not observed at significant frequency in large population cohorts (gnomAD); In silico analysis supports that this missense variant has a deleterious effect on protein structure/function; Has not been previously published as pathogenic or benign to our knowledge